The following is an entry in ClinVar:

ClinVar aggregate classification (germline): Uncertain significance (1 of 4 stars; one submission).

Submission:

Dasa
Classification: Uncertain significance. Last evaluated: 2024-12-26. Review status: criteria provided, single submitter. Criteria: DASA Assertion Criteria. Collection method: clinical testing. Allele origin: germline.
Comment: NM_016180.5(SLC45A2):c.651C>A (p.Val217=) is a synonymous variant predicted not to alter the encoded amino acid sequence. This variant has been observed in affected individuals with SLC45A2-related disorders. Also, this variant is absent from population databases. Computational prediction algorithms are consistent with a deleterious effect. The currently available literature and clinical evidence are not sufficient to establish a definitive association between this variant and the reported condition. Therefore, this variant is classified as a variant of uncertain significance.

NM_016180.5(SLC45A2):c.651C>A (p.Val217=)

Gene: SLC45A2 (solute carrier family 45 member 2; minus strand). Cytogenetic location: 5p13.2.
Variant type: single nucleotide variant.
Coding change: c.651C>A on transcript NM_016180.5 (MANE Select); coding-DNA position 651, C replaced by A.
Protein change: p.Val217=; no amino-acid change (valine 217 retained).
Molecular consequence: synonymous variant. On other transcripts: intron variant (1).
Genome position (GRCh38, 1-based): chr5:33,963,928, G>T on the plus strand (C>A on the coding strand, the complement: SLC45A2 is on the minus strand). VCF-style: chr5-33963928-G-T. GRCh37 (hg19) VCF-style: chr5-33964033-G-T.
Other names: c.651C>A, p.Val217= (NM_001012509.4); c.563-9424C>A (NM_001297417.4).
Identifiers: ClinVar variation 4881028 (VCV004881028.2).